The following is an entry in ClinVar:

ClinVar aggregate classification (germline): Uncertain significance (1 of 4 stars; one submission).

Submission:

Labcorp Genetics (formerly Invitae), Labcorp
Classification: Uncertain significance. Last evaluated: 2023-12-27. Review status: criteria provided, single submitter. Criteria: Invitae Variant Classification Sherloc (09022015). Collection method: clinical testing. Allele origin: germline.
Comment: This sequence change replaces proline, which is neutral and non-polar, with threonine, which is neutral and polar, at codon 1887 of the ITPR1 protein (p.Pro1887Thr). This variant is not present in population databases (gnomAD no frequency). This variant has not been reported in the literature in individuals affected with ITPR1-related conditions. Advanced modeling of protein sequence and biophysical properties (such as structural, functional, and spatial information, amino acid conservation, physicochemical variation, residue mobility, and thermodynamic stability) performed at Invitae indicates that this missense variant is not expected to disrupt ITPR1 protein function with a negative predictive value of 95%. In summary, the available evidence is currently insufficient to determine the role of this variant in disease. Therefore, it has been classified as a Variant of Uncertain Significance.

NM_001378452.1(ITPR1):c.5848C>A (p.Pro1950Thr)

Gene: ITPR1 (inositol 1,4,5-trisphosphate receptor type 1; plus strand). Cytogenetic location: 3p26.1.
Variant type: single nucleotide variant.
Coding change: c.5848C>A on transcript NM_001378452.1 (MANE Select); coding-DNA position 5848, C replaced by A.
Protein change: p.Pro1950Thr; replaces proline 1950 with threonine.
Molecular consequence: missense variant.
Genome position (GRCh38, 1-based): chr3:4,768,633, C>A. VCF-style: chr3-4768633-C-A. GRCh37 (hg19) VCF-style: chr3-4810317-C-A.
Other names: c.5704C>A, p.Pro1902Thr (NM_001099952.4); c.5803C>A, p.Pro1935Thr (NM_001168272.2); c.5659C>A, p.Pro1887Thr (NM_002222.7); short protein forms P1935T, P1950T, P1902T, P1887T.
Identifiers: ClinVar variation 2705787 (VCV002705787.3), dbSNP rs2470044799, ClinGen allele CA351635090.